The following is an entry in ClinVar:

ClinVar aggregate classification (germline): Likely benign. Review status: criteria provided, multiple submitters, no conflicts (2 of 4 stars). 4 submissions from 4 submitters: Likely benign (4). Last evaluated 2025-11-10.

Conditions:
Cardiovascular phenotype. Identifiers: MedGen CN230736.
Dilated cardiomyopathy 1J (CMD1J). Also called: CARDIOMYOPATHY, DILATED, WITH SENSORINEURAL HEARING LOSS, AUTOSOMAL DOMINANT. Identifiers: Orphanet 217622, MedGen C1854368, MONDO:0011541, OMIM 605362.

Allele frequency attached by ClinVar (database versions not stated): gnomAD exomes below 0.00001 and 0.00001; gnomAD 0.00003; ESP Exome Variant Server 0.00008; ExAC 0.00002; TOPMed 0.00002.
gnomAD v4.1: 10 of 1,614,016 alleles (0.00062%); highest among the groups gnomAD compares: African/African-American, 0.0093%; no homozygotes.

Submissions (4):

Labcorp Genetics (formerly Invitae), Labcorp
Classification: Likely benign for Dilated cardiomyopathy 1J. Last evaluated: 2025-11-10. Review status: criteria provided, single submitter. Criteria: Invitae Variant Classification Sherloc (09022015). Collection method: clinical testing. Allele origin: germline.

Women's Health and Genetics/Laboratory Corporation of America, LabCorp
Classification: Likely benign. Last evaluated: 2025-06-16. Review status: criteria provided, single submitter. Criteria: LabCorp Variant Classification Summary - May 2015. Collection method: clinical testing. Allele origin: germline.

Ambry Genetics
Classification: Likely benign for Cardiovascular phenotype. Last evaluated: 2016-12-09. Review status: criteria provided, single submitter. Criteria: Ambry Variant Classification Scheme 2023. Collection method: clinical testing. Allele origin: germline.

Laboratory for Molecular Medicine, Mass General Brigham Personalized Medicine
Classification: Likely benign. Last evaluated: 2016-03-03. Review status: criteria provided, single submitter. Criteria: LMM Criteria. Collection method: clinical testing. Allele origin: germline. Observed: 1 variant allele.
Comment: p.Arg479Arg in Exon 16 of EYA4: This variant is not expected to have clinical si gnificance because it does not alter an amino acid residue, is not located withi n the splice consensus sequence, and has been identified in 1/10376 African and 1/8642 East Asian chromosomes by the Exome Aggregation Consortium (ExAC; dbSNP rs142263016).

NM_004100.5(EYA4):c.1437G>A (p.Arg479=)

Genes: TARID (TCF21 antisense RNA inducing promoter demethylation; minus strand), EYA4 (EYA transcriptional coactivator and phosphatase 4; plus strand). Cytogenetic location: 6q23.2.
Variant type: single nucleotide variant.
Coding change: c.1437G>A on transcript NM_004100.5 (MANE Select); coding-DNA position 1437, G replaced by A.
Protein change: p.Arg479=; no amino-acid change (arginine 479 retained).
Molecular consequence: synonymous variant.
Genome position (GRCh38, 1-based): chr6:133,512,974, G>A. VCF-style: chr6-133512974-G-A. GRCh37 (hg19) VCF-style: chr6-133834112-G-A.
Other names: c.1275G>A, p.Arg425= (NM_001301012.2); c.1455G>A, p.Arg485= (NM_001301013.2); c.1368G>A, p.Arg456= (NM_001370458.1, NM_172103.4); c.1293G>A, p.Arg431= (NM_001370459.1); c.1437G>A, p.Arg479= (NM_172105.4).
Identifiers: ClinVar variation 227368 (VCV000227368.17), dbSNP rs142263016, ClinGen allele CA4008361.